The following is an entry in ClinVar:

NM_001099403.2(PRDM8):c.1468C>G (p.Gln490Glu)

Genes: PRDM8 (PR/SET domain 8; plus strand), LOC129992745 (ATAC-STARR-seq lymphoblastoid silent region 15522; plus strand). Cytogenetic location: 4q21.21.
Variant type: single nucleotide variant.
Coding change: c.1468C>G on transcript NM_001099403.2 (MANE Select); coding-DNA position 1468, C replaced by G.
Protein change: p.Gln490Glu; replaces glutamine 490 with glutamic acid.
Molecular consequence: missense variant.
Genome position (GRCh38, 1-based): chr4:80,202,930, C>G. VCF-style: chr4-80202930-C-G. GRCh37 (hg19) VCF-style: chr4-81124084-C-G.
Other names: c.1468C>G, p.Gln490Glu (NM_020226.4); short protein forms Q490E.
Identifiers: ClinVar variation 570269 (VCV000570269.6), dbSNP rs1560479209, ClinGen allele CA357400892.

ClinVar aggregate classification (germline): Uncertain significance (1 of 4 stars; one submission).

Conditions:
Early-onset Lafora body disease. Also called: Epilepsy, progressive myoclonic, 10. Identifiers: Orphanet 324290, MedGen C4225258, MONDO:0014717, OMIM 616640.

Allele frequency attached by ClinVar (database versions not stated): gnomAD exomes below 0.00001.
gnomAD v4.1: 1 of 1,441,702 alleles (0.000069%); highest among the groups gnomAD compares: African/African-American, 0.0015%; no homozygotes.

Submission:

Labcorp Genetics (formerly Invitae), Labcorp
Classification: Uncertain significance for Early-onset Lafora body disease. Last evaluated: 2021-08-24. Review status: criteria provided, single submitter. Criteria: Invitae Variant Classification Sherloc (09022015). Collection method: clinical testing. Allele origin: germline.
Comment: This sequence change replaces glutamine with glutamic acid at codon 490 of the PRDM8 protein (p.Gln490Glu). The glutamine residue is weakly conserved and there is a small physicochemical difference between glutamine and glutamic acid. The frequency data for this variant in the population databases is considered unreliable, as metrics indicate insufficient coverage at this position in the ExAC database. This variant has not been reported in the literature in individuals affected with PRDM8-related conditions. Algorithms developed to predict the effect of missense changes on protein structure and function are either unavailable or do not agree on the potential impact of this missense change (SIFT: "Deleterious"; PolyPhen-2: "Benign"; Align-GVGD: "Class C0"). In summary, the available evidence is currently insufficient to determine the role of this variant in disease. Therefore, it has been classified as a Variant of Uncertain Significance.